The following is an entry in ClinVar:

NM_004667.6(HERC2):c.14058G>A (p.Lys4686=)

Gene: HERC2 (HECT and RLD domain containing E3 ubiquitin protein ligase 2; minus strand). Cytogenetic location: 15q13.1.
Variant type: single nucleotide variant.
Coding change: c.14058G>A on transcript NM_004667.6 (MANE Select); coding-DNA position 14058, G replaced by A.
Protein change: p.Lys4686=; no amino-acid change (lysine 4686 retained).
Molecular consequence: synonymous variant.
Genome position (GRCh38, 1-based): chr15:28,113,245, C>T on the plus strand (G>A on the coding strand, the complement: HERC2 is on the minus strand). VCF-style: chr15-28113245-C-T. GRCh37 (hg19) VCF-style: chr15-28358391-C-T.
Identifiers: ClinVar variation 2645032 (VCV002645032.24), dbSNP rs2548732847, ClinGen allele CA489234439.

ClinVar aggregate classification (germline): Likely benign (1 of 4 stars; one submission).

Submission:

CeGaT Center for Human Genetics Tuebingen
Classification: Likely benign. Last evaluated: 2022-05-01. Review status: criteria provided, single submitter. Criteria: CeGaT Center For Human Genetics Tuebingen Variant Classification Criteria Version 2. Collection method: clinical testing. Allele origin: germline. Affected: yes. Observed: 1 variant allele.
Comment: HERC2: PM2:Supporting, BP4, BP7